The following is an entry in ClinVar:

NM_016616.5(NME8):c.1255G>A (p.Ala419Thr)

Gene: NME8 (NME/NM23 family member 8; plus strand). Cytogenetic location: 7p14.1.
Variant type: single nucleotide variant.
Coding change: c.1255G>A on transcript NM_016616.5 (MANE Select); coding-DNA position 1255, G replaced by A.
Protein change: p.Ala419Thr; replaces alanine 419 with threonine.
Molecular consequence: missense variant.
Genome position (GRCh38, 1-based): chr7:37,888,284, G>A. VCF-style: chr7-37888284-G-A. GRCh37 (hg19) VCF-style: chr7-37927886-G-A.
Other names: short protein forms A419T.
Identifiers: ClinVar variation 2992967 (VCV002992967.3), dbSNP rs769815367, ClinGen allele CA4222482.
Genomic context (GRCh38, chr7:37,888,284, plus strand): 5'-TATATTATTCTGTTCTGTTCTAATAGCTTTTAAACCTGACTTCTTTTTCAAAGTTTATGT[G>A]CACAGTTTGCGATGGACAGTTTGCCGGTCAACCAGTTGTATGGCAGCGATTCATTAGAAA-3'
Protein context (NP_057700.3, residues 409-429): AIEYFPESLC[Ala419Thr]QFAMDSLPVN

ClinVar aggregate classification (germline): Uncertain significance (1 of 4 stars; one submission).

Conditions:
Primary ciliary dyskinesia 6. Also called: Primary Ciliary Dyskinesia 6: TXNDC3-Related Primary Ciliary Dyskinesia. Identifiers: Orphanet 244, MedGen C1970506, MONDO:0012571, OMIM 610852.

Allele frequency attached by ClinVar (database versions not stated): gnomAD exomes below 0.00001; ExAC 0.00002.
gnomAD v4.1: 4 of 1,613,436 alleles (0.00025%); highest among the groups gnomAD compares: South Asian, 0.0033%; no homozygotes.

Submission:

Labcorp Genetics (formerly Invitae), Labcorp
Classification: Uncertain significance for Primary ciliary dyskinesia 6. Last evaluated: 2023-06-12. Review status: criteria provided, single submitter. Criteria: Invitae Variant Classification Sherloc (09022015). Collection method: clinical testing. Allele origin: germline.
Comment: In summary, the available evidence is currently insufficient to determine the role of this variant in disease. Therefore, it has been classified as a Variant of Uncertain Significance. Advanced modeling of protein sequence and biophysical properties (such as structural, functional, and spatial information, amino acid conservation, physicochemical variation, residue mobility, and thermodynamic stability) has been performed at Invitae for this missense variant, however the output from this modeling did not meet the statistical confidence thresholds required to predict the impact of this variant on NME8 protein function. This variant has not been reported in the literature in individuals affected with NME8-related conditions. This variant is present in population databases (rs769815367, gnomAD 0.003%). This sequence change replaces alanine, which is neutral and non-polar, with threonine, which is neutral and polar, at codon 419 of the NME8 protein (p.Ala419Thr).